The following is an entry in ClinVar:

ClinVar aggregate classification (germline): Pathogenic/Likely pathogenic. Review status: criteria provided, multiple submitters, no conflicts (2 of 4 stars). 2 submissions from 2 submitters: Pathogenic (1); Likely pathogenic (1). Last evaluated 2025-05-01.

Conditions:
Autosomal recessive nonsyndromic hearing loss 101. Also called: Deafness, autosomal recessive 101. Identifiers: Orphanet 90636, MedGen C3892049, MONDO:0014363, OMIM 615837.

gnomAD v4.1: 15 of 1,613,892 alleles (0.00093%); highest among the groups gnomAD compares: Middle Eastern, 0.016%; no homozygotes.

Submissions (2):

First Genomix Gene Laboratory, Genetic Diagnostics Department
Classification: Likely pathogenic for Autosomal recessive nonsyndromic hearing loss 101. Last evaluated: 2025-05-01. Review status: criteria provided, single submitter. Criteria: ACMG Guidelines, 2015. Collection method: clinical testing. Allele origin: germline. Inheritance: Autosomal recessive inheritance. Affected: no. Observed: 1 variant allele.

3billion
Classification: Pathogenic for Autosomal recessive nonsyndromic hearing loss 101. Last evaluated: 2023-10-05. Review status: criteria provided, single submitter. Criteria: ACMG Guidelines, 2015. Collection method: clinical testing. Allele origin: germline. Affected: yes.
Comment: The variant is observed at an extremely low frequency in the gnomAD v2.1.1 dataset (total allele frequency: 0.001%). Predicted Consequence/Location: Stop-gained (nonsense): predicted to result in a loss or disruption of normal protein function through nonsense-mediated decay (NMD) or protein truncation. Multiple pathogenic variants are reported downstream of the variant. Therefore, this variant is classified as Likely pathogenic according to the recommendation of ACMG/AMP guideline.

NM_001080516.2(GRXCR2):c.88C>T (p.Arg30Ter)

Gene: GRXCR2 (glutaredoxin and cysteine rich domain containing 2; minus strand). Cytogenetic location: 5q32.
Variant type: single nucleotide variant.
Coding change: c.88C>T on transcript NM_001080516.2 (MANE Select); coding-DNA position 88, C replaced by T.
Protein change: p.Arg30Ter; replaces arginine 30 with a stop codon.
Molecular consequence: nonsense.
Genome position (GRCh38, 1-based): chr5:145,872,881, G>A on the plus strand (C>T on the coding strand, the complement: GRXCR2 is on the minus strand). VCF-style: chr5-145872881-G-A. GRCh37 (hg19) VCF-style: chr5-145252444-G-A.
Other names: short protein forms R30*.
Identifiers: ClinVar variation 3775673 (VCV003775673.2).
Genomic context (GRCh38, chr5:145,872,881, plus strand): 5'-GGTATTCCTCCTTTGGTGACTCTAATTCCTGCCCATCCTCAAAGACCTGCTTCAATACTC[G>A]ACCGCTGTAGGAGGAGGAGATTTTAAATCGTACTTTCCGGGGTTTGCCATCACTCTTCTG-3'